The following is an entry in ClinVar:

ClinVar aggregate classification (germline): Uncertain significance (1 of 4 stars; one submission).

gnomAD v4.1: 1 of 1,610,734 alleles (0.000062%); highest among the groups gnomAD compares: Non-Finnish European, 0.000085%; no homozygotes.

Submission:

GeneDx
Classification: Uncertain significance. Last evaluated: 2025-05-05. Review status: criteria provided, single submitter. Criteria: GeneDx Variant Classification Process June 2021. Collection method: clinical testing. Allele origin: germline. Affected: yes.
Comment: Not observed at significant frequency in large population cohorts (gnomAD); In silico analysis supports that this missense variant has a deleterious effect on protein structure/function; Has not been previously published as pathogenic or benign to our knowledge

NM_000719.7(CACNA1C):c.4721C>T (p.Thr1574Ile)

Genes: CACNA1C (calcium voltage-gated channel subunit alpha1 C; plus strand), CACNA1C-AS2 (CACNA1C antisense RNA 2; minus strand). Cytogenetic location: 12p13.33.
Variant type: single nucleotide variant.
Coding change: c.4721C>T on transcript NM_000719.7 (MANE Select); coding-DNA position 4721, C replaced by T.
Protein change: p.Thr1574Ile; replaces threonine 1574 with isoleucine.
Molecular consequence: missense variant.
Genome position (GRCh38, 1-based): chr12:2,669,030, C>T. VCF-style: chr12-2669030-C-T. GRCh37 (hg19) VCF-style: chr12-2778196-C-T.
Other names: c.4865C>T, p.Thr1622Ile (NM_001129827.2, NM_199460.4); c.4787C>T, p.Thr1596Ile (NM_001129829.2); c.4721C>T, p.Thr1574Ile (NM_001129830.3, NM_001129833.2, NM_001129843.2 and 7 more transcripts); c.4805C>T, p.Thr1602Ile (NM_001129831.2); c.4781C>T, p.Thr1594Ile (NM_001129832.2); c.4712C>T, p.Thr1571Ile (NM_001129844.2); c.4688C>T, p.Thr1563Ile (NM_001129846.2, NM_001167625.2, NM_001129837.2 and 1 more transcripts); c.4772C>T, p.Thr1591Ile (NM_001129836.2); and 1 more; short protein forms T1561I, T1563I, T1571I, T1574I, T1591I, T1594I, T1596I, T1602I.
Identifiers: ClinVar variation 4527914 (VCV004527914.1).